The following is an entry in ClinVar:

ClinVar aggregate classification (germline): Likely benign. Review status: criteria provided, multiple submitters, no conflicts (2 of 4 stars). 2 submissions from 2 submitters: Likely benign (2). Last evaluated 2023-11-12.

Submissions (2):

Labcorp Genetics (formerly Invitae), Labcorp
Classification: Likely benign. Last evaluated: 2023-11-12. Review status: criteria provided, single submitter. Criteria: Invitae Variant Classification Sherloc (09022015). Collection method: clinical testing. Allele origin: germline.

GeneDx
Classification: Likely benign. Last evaluated: 2018-04-04. Review status: criteria provided, single submitter. Criteria: GeneDx Variant Classification (06012015). Collection method: clinical testing. Allele origin: germline. Affected: yes.
Comment: This variant is considered likely benign or benign based on one or more of the following criteria: it is a conservative change, it occurs at a poorly conserved position in the protein, it is predicted to be benign by multiple in silico algorithms, and/or has population frequency not consistent with disease.

NM_003640.5(ELP1):c.2588-11_2588-10insAC

Gene: ELP1 (elongator acetyltransferase complex subunit 1; minus strand). Cytogenetic location: 9q31.3.
Variant type: Insertion.
Coding change: c.2588-11_2588-10insAC on transcript NM_003640.5 (MANE Select); 11 bases into the intron before coding-DNA position 2588 through 10 bases into the intron before coding-DNA position 2588, AC inserted.
Molecular consequence: intron variant.
Genome position: GRCh38 VCF-style: chr9-108896654-T-TTG. GRCh37 (hg19) VCF-style: chr9-111658934-T-TTG.
Other names: c.2246-11_2246-10insAC (NM_001318360.2); c.1541-11_1541-10insAC (NM_001330749.2).
Identifiers: ClinVar variation 681661 (VCV000681661.4), dbSNP rs1587890642, ClinGen allele CA915947099.